The following is an entry in ClinVar:

NM_001844.5(COL2A1):c.111T>C (p.Asp37=)

Gene: COL2A1 (collagen type II alpha 1 chain; minus strand). Cytogenetic location: 12q13.11.
Variant type: single nucleotide variant.
Coding change: c.111T>C on transcript NM_001844.5 (MANE Select); coding-DNA position 111, T replaced by C.
Protein change: p.Asp37=; no amino-acid change (aspartic acid 37 retained).
Molecular consequence: synonymous variant. On other transcripts: intron variant (1).
Genome position (GRCh38, 1-based): chr12:48,000,100, A>G on the plus strand (T>C on the coding strand, the complement: COL2A1 is on the minus strand). VCF-style: chr12-48000100-A-G. GRCh37 (hg19) VCF-style: chr12-48393883-A-G.
Other names: c.111T>C (NM_001844.4); c.86-1669T>C (NM_033150.3).
Identifiers: ClinVar variation 4916488 (VCV004916488.2).

ClinVar aggregate classification (germline): Likely benign. Review status: criteria provided, multiple submitters, no conflicts (2 of 4 stars). 2 submissions from 2 submitters: Likely benign (2). Last evaluated 2026-06-24.

Conditions:
COL2A1-related disorder. Also called: COL2A1-related condition; COL2A1-related disorders.

gnomAD v4.1: 6 of 1,613,282 alleles (0.00037%); highest among the groups gnomAD compares: East Asian, 0.0022%; no homozygotes.

Submissions (2):

PreventionGenetics, part of Exact Sciences
Classification: Likely benign for COL2A1-related condition. Last evaluated: 2026-06-24. Review status: criteria provided, single submitter. Criteria: ACMG Guidelines, 2015. Collection method: clinical testing. Allele origin: germline.
Comment: This variant is classified as likely benign based on ACMG/AMP sequence variant interpretation guidelines (Richards et al. 2015 PMID: 25741868, with internal and published modifications).

Blueprint Genetics
Classification: Likely benign. Last evaluated: 2019-09-09. Review status: criteria provided, single submitter. Criteria: ACMG Guidelines, 2015. Collection method: clinical testing. Allele origin: germline.